The following is an entry in ClinVar:

NM_001201543.2(FAM161A):c.1250dup (p.Leu418fs)

Gene: FAM161A (FAM161 centrosomal protein A; minus strand). Cytogenetic location: 2p15.
Variant type: Duplication.
Coding change: c.1250dup on transcript NM_001201543.2 (MANE Select); coding-DNA position 1250, one base duplicated (A; older notation c.1250dupA).
Protein change: p.Leu418fs; shifts the reading frame from leucine 418.
Molecular consequence: frameshift variant. On other transcripts: non-coding transcript variant (1).
Genome position (GRCh38, 1-based): chr2:61,839,754, T duplicated on the plus strand (A on the coding strand, the reverse complement: FAM161A is on the minus strand); the first of 3 consecutive T bases (chr2:61,839,754-61,839,756); duplicating any one gives the same sequence. VCF-style (leftmost placement, unchanged base first): chr2-61839753-C-CT. GRCh37 (hg19) VCF-style: chr2-62066888-C-CT.
Other names: c.1250dup, p.Leu418fs (NM_032180.3); short protein forms L418fs.
Identifiers: ClinVar variation 2709942 (VCV002709942.4), dbSNP rs2466023933, ClinGen allele CA2697548199.

ClinVar aggregate classification (germline): Pathogenic/Likely pathogenic. Review status: criteria provided, multiple submitters, no conflicts (2 of 4 stars). 2 submissions from 2 submitters: Pathogenic (1); Likely pathogenic (1). Last evaluated 2024-05-05.

Conditions:
Retinitis pigmentosa 28 (RP28). Identifiers: Orphanet 791, MedGen C1419614, MONDO:0011630, OMIM 606068.

Submissions (2):

Fulgent Genetics
Classification: Likely pathogenic for Retinitis pigmentosa 28. Last evaluated: 2024-05-05. Review status: criteria provided, single submitter. Criteria: ACMG Guidelines, 2015. Collection method: clinical testing. Allele origin: germline.

Labcorp Genetics (formerly Invitae), Labcorp
Classification: Pathogenic. Last evaluated: 2024-01-24. Review status: criteria provided, single submitter. Criteria: Invitae Variant Classification Sherloc (09022015). Collection method: clinical testing. Allele origin: germline.
Comment: This sequence change creates a premature translational stop signal (p.Leu418Valfs*4) in the FAM161A gene. It is expected to result in an absent or disrupted protein product. Loss-of-function variants in FAM161A are known to be pathogenic (PMID: 20705278, 20705279, 24651477). This variant is not present in population databases (gnomAD no frequency). This variant has not been reported in the literature in individuals affected with FAM161A-related conditions. For these reasons, this variant has been classified as Pathogenic.

Literature cited by the submitters: PubMed 20705278 (cited by Labcorp Genetics (formerly Invitae), Labcorp); PubMed 20705279 (cited by Labcorp Genetics (formerly Invitae), Labcorp); PubMed 24651477 (cited by Labcorp Genetics (formerly Invitae), Labcorp).